The following is an entry in ClinVar:

ClinVar aggregate classification (germline): Uncertain significance (1 of 4 stars; one submission).

Conditions:
Diamond-Blackfan anemia. Also called: Blackfan Diamond syndrome; Aregenerative anemia chronic congenital; Red cell aplasia, pure hereditary; Congenital hypoplastic anemia; Aase syndrome. Identifiers: Orphanet 124, MedGen C1260899, MeSH D029503, MONDO:0015253, HP:0004810.

Submission:

Labcorp Genetics (formerly Invitae), Labcorp
Classification: Uncertain significance for Diamond-Blackfan anemia. Last evaluated: 2025-10-05. Review status: criteria provided, single submitter. Criteria: Invitae Variant Classification Sherloc (09022015). Collection method: clinical testing. Allele origin: germline.
Comment: This sequence change falls in intron 1 of the RPL5 gene. It does not directly change the encoded amino acid sequence of the RPL5 protein. It affects a nucleotide within the consensus splice site. This variant is not present in population databases (gnomAD no frequency). This variant has been observed in individual(s) with hereditary thrombocytopenia (PMID: 33718801). ClinVar contains an entry for this variant (Variation ID: 2098046). Variants that disrupt the consensus splice site are a relatively common cause of aberrant splicing (PMID: 17576681, 9536098). Algorithms developed to predict the effect of sequence changes on RNA splicing suggest that this variant may disrupt the consensus splice site. In summary, the available evidence is currently insufficient to determine the role of this variant in disease. Therefore, it has been classified as a Variant of Uncertain Significance.

Literature cited by the submitters: PubMed 33718801; PubMed 17576681; PubMed 9536098.

NM_000969.5(RPL5):c.3+5G>A

Gene: RPL5 (ribosomal protein L5; plus strand). Cytogenetic location: 1p22.1.
Variant type: single nucleotide variant.
Coding change: c.3+5G>A on transcript NM_000969.5 (MANE Select); 5 bases into the intron after coding-DNA position 3, G replaced by A.
Molecular consequence: intron variant.
Genome position (GRCh38, 1-based): chr1:92,832,122, G>A. VCF-style: chr1-92832122-G-A. GRCh37 (hg19) VCF-style: chr1-93297679-G-A.
Identifiers: ClinVar variation 2098046 (VCV002098046.4), dbSNP rs2524440290, ClinGen allele CA2580063310.